The following is an entry in ClinVar:

NM_007294.4(BRCA1):c.4116T>A (p.Cys1372Ter)

Gene: BRCA1 (BRCA1 DNA repair associated; minus strand). Cytogenetic location: 17q21.31.
Variant type: single nucleotide variant.
Coding change: c.4116T>A on transcript NM_007294.4 (MANE Select); coding-DNA position 4116, T replaced by A.
Protein change: p.Cys1372Ter; replaces cysteine 1372 with a stop codon.
Molecular consequence: nonsense. On other transcripts: non-coding transcript variant (1).
Genome position (GRCh38, 1-based): chr17:43,091,013, A>T on the plus strand (T>A on the coding strand, the complement: BRCA1 is on the minus strand). VCF-style: chr17-43091013-A-T. GRCh37 (hg19) VCF-style: chr17-41243030-A-T.
Other names: c.3975T>A, p.Cys1325Ter (NM_001407751.1, NM_001407752.1, NM_001407942.1 and 29 more transcripts); c.3972T>A, p.Cys1324Ter (NM_001407838.1, NM_001407839.1, NM_001407841.1 and 20 more transcripts); c.3903T>A, p.Cys1301Ter (NM_001407853.1, NM_001407895.1, NM_001407896.1 and 9 more transcripts); c.4116T>A, p.Cys1372Ter (NM_001407854.1, NM_001407858.1, NM_001407859.1 and 30 more transcripts); c.4113T>A, p.Cys1371Ter (NM_001407860.1, NM_001407861.1, NM_001407610.1 and 22 more transcripts); c.3915T>A, p.Cys1305Ter (NM_001407862.1); c.3993T>A, p.Cys1331Ter (NM_001407863.1, NM_001407665.1, NM_001407666.1 and 19 more transcripts); c.3912T>A, p.Cys1304Ter (NM_001407874.1, NM_001407875.1); and 41 more; short protein forms C1372*, C269*, C1325*, C1302*, C141*, C142*, C160*, C199*.
Identifiers: ClinVar variation 55106 (VCV000055106.3), dbSNP rs397509140, ClinGen allele CA002640.
Genomic context (GRCh38, chr17:43,091,013, plus strand): 5'-TAAAATGTCACTCTGAGAGGATAGCCCTGAGCAGTCTTCAGAGACGCTTGTTTCACTCTC[A>T]CACCCAGATGCTGCTTCACCTTAAATAACAAAAACAGAGGTTCAGATGTAAAAGCAGACT-3'

ClinVar aggregate classification (germline): Pathogenic. Review status: reviewed by expert panel (3 of 4 stars). 2 submissions from 2 submitters: Pathogenic (1). 1 of the submissions does not count toward it. Last evaluated 2017-12-15.

Conditions:
Breast-ovarian cancer, familial, susceptibility to, 1 (BROVCA1). Also called: BRCA1 Hereditary Breast and Ovarian Cancer; OVARIAN CANCER, SUSCEPTIBILITY TO. Identifiers: Orphanet 145, MedGen C2676676, MONDO:0011450, OMIM 604370. Disease mechanism: loss of function.
Familial cancer of breast. Also called: hereditary breast carcinoma; BREAST CANCER, FAMILIAL; Hereditary breast cancer. Identifiers: Orphanet 227535, MedGen C0346153, MONDO:0016419, OMIM 114480. Disease mechanism: loss of function.

Submissions (2):

Evidence-based Network for the Interpretation of Germline Mutant Alleles (ENIGMA)
Classification: Pathogenic for Breast-ovarian cancer, familial, susceptibility to, 1. Last evaluated: 2017-12-15. Review status: reviewed by expert panel. Criteria: ENIGMA BRCA1/2 Classification Criteria (2017-06-29). Collection method: curation. Allele origin: germline. Study: ENIGMA.
Comment: Variant allele predicted to encode a truncated non-functional protein.

ClinVar Staff, National Center for Biotechnology Information (NCBI)
No classification provided. Condition: Familial cancer of breast. Review status: no classification provided. Collection method: literature only. Allele origin: germline. Affected: yes. Not counted in ClinVar's aggregate classification.

Literature cited by the submitters: PubMed 12624724 (cited by ClinVar Staff, National Center for Biotechnology Information (NCBI)).